The following is an entry in ClinVar:

NM_000016.6(ACADM):c.927del (p.Phe309fs)

Gene: ACADM (acyl-CoA dehydrogenase medium chain; plus strand). Cytogenetic location: 1p31.1.
Variant type: Deletion.
Coding change: c.927del on transcript NM_000016.6 (MANE Select); coding-DNA position 927, one base deleted (C; older notation c.927delC).
Protein change: p.Phe309fs; shifts the reading frame from phenylalanine 309.
Molecular consequence: frameshift variant.
Genome position (GRCh38, 1-based): chr1:75,750,528, C deleted. VCF-style (leftmost placement, unchanged base first): chr1-75750527-TC-T. GRCh37 (hg19) VCF-style: chr1-76216212-TC-T.
Other names: c.939del, p.Phe313fs (NM_001127328.3); c.819del, p.Phe273fs (NM_001286042.2); c.1026del, p.Phe342fs (NM_001286043.2); c.360del, p.Phe120fs (NM_001286044.2); c.927delC (NM_000016.5); short protein forms F309fs, F313fs, F342fs, F273fs, F120fs.
Identifiers: ClinVar variation 593740 (VCV000593740.14), dbSNP rs1557458562, ClinGen allele CA913186027.

ClinVar aggregate classification (germline): Pathogenic/Likely pathogenic. Review status: criteria provided, multiple submitters, no conflicts (2 of 4 stars). 4 submissions from 4 submitters: Pathogenic (3); Likely pathogenic (1). Last evaluated 2025-06-08.

Conditions:
Medium-chain acyl-coenzyme A dehydrogenase deficiency (ACADMD). Also called: MCAD Deficiency; MCADD; MCADH DEFICIENCY; ACADM DEFICIENCY; CARNITINE DEFICIENCY SECONDARY TO MEDIUM-CHAIN ACYL-CoA DEHYDROGENASE DEFICIENCY; Medium chain acyl-CoA dehydrogenase deficiency. Identifiers: Orphanet 42, MedGen C0220710, MONDO:0008721, OMIM 201450.

Allele frequency attached by ClinVar (database versions not stated): gnomAD exomes below 0.00001.

Submissions (4):

Labcorp Genetics (formerly Invitae), Labcorp
Classification: Pathogenic for Medium-chain acyl-coenzyme A dehydrogenase deficiency. Last evaluated: 2025-06-08. Review status: criteria provided, single submitter. Criteria: Invitae Variant Classification Sherloc (09022015). Collection method: clinical testing. Allele origin: germline.
Comment: This sequence change creates a premature translational stop signal (p.Phe309Leufs*6) in the ACADM gene. It is expected to result in an absent or disrupted protein product. Loss-of-function variants in ACADM are known to be pathogenic (PMID: 16121256, 20434380). This variant is not present in population databases (gnomAD no frequency). This variant has not been reported in the literature in individuals affected with ACADM-related conditions. ClinVar contains an entry for this variant (Variation ID: 593740). For these reasons, this variant has been classified as Pathogenic.

Natera, Inc.
Classification: Likely pathogenic for Medium Chain Acyl-CoA Dehydrogenase Deficiency. Last evaluated: 2024-11-19. Review status: criteria provided, single submitter. Criteria: Natera Variant Classification Schema (03/2026). Collection method: clinical testing. Allele origin: germline.
Comment: The c.927delC variant in ACADM is a frameshift variant predicted to shift the reading frame beginning at codon 309 and leads to a stop codon 6 codons downstream. This variant is expected to result in nonsense mediated decay, truncation, or a dysfunctional protein product. This variant is rare in the general population with a frequency below the threshold expected for the associated phenotype(s). Given the available evidence, this variant is classified as Likely Pathogenic.

Baylor Genetics
Classification: Pathogenic for Medium-chain acyl-coenzyme A dehydrogenase deficiency. Last evaluated: 2023-10-29. Review status: criteria provided, single submitter. Criteria: ACMG Guidelines, 2015. Collection method: clinical testing. Allele origin: unknown.

Eurofins Ntd Llc (ga)
Classification: Pathogenic. Last evaluated: 2017-08-22. Review status: criteria provided, single submitter. Criteria: EGL Classification Definitions 2015. Collection method: clinical testing. Allele origin: germline. Observed: 1 variant allele, 1 heterozygote.

Literature cited by the submitters: PubMed 16121256 (cited by Labcorp Genetics (formerly Invitae), Labcorp); PubMed 20434380 (cited by Labcorp Genetics (formerly Invitae), Labcorp).